The following is an entry in ClinVar:

ClinVar aggregate classification (germline): Benign/Likely benign. Review status: criteria provided, multiple submitters, no conflicts (2 of 4 stars). 2 submissions from 2 submitters: Benign (1); Likely benign (1). Last evaluated 2025-03-21.

Conditions:
Familial thoracic aortic aneurysm and aortic dissection (TAAD). Also called: Thoracic aortic aneurysms and dissections. Identifiers: Orphanet 91387, MedGen C4707243, MONDO:0019625.
Hereditary cancer-predisposing syndrome. Also called: Hereditary neoplastic syndrome; Neoplastic Syndromes, Hereditary; Tumor predisposition; Hereditary Cancer Syndrome. Identifiers: Orphanet 140162, MedGen C0027672, MeSH D009386, MONDO:0015356.
Juvenile polyposis/hereditary hemorrhagic telangiectasia syndrome (JPHT). Also called: JP/HHT SYNDROME; JUVENILE POLYPOSIS WITH HEREDITARY HEMORRHAGIC TELANGIECTASIA; POLYPOSIS, GENERALIZED JUVENILE, WITH PULMONARY ARTERIOVENOUS MALFORMATION; TELANGIECTASIA, HEREDITARY HEMORRHAGIC, WITH JUVENILE POLYPOSIS COLI; Juvenile Polyposis Syndrome / Hereditary Hemorrhagic Telangiectasia (JPS/HHT). Identifiers: Orphanet 2929, MedGen C1832942, MONDO:0008278, OMIM 175050.

Allele frequency attached by ClinVar (database versions not stated): TOPMed below 0.00001.

Submissions (2):

Myriad Genetics, Inc.
Classification: Benign for Juvenile polyposis/hereditary hemorrhagic telangiectasia syndrome. Last evaluated: 2025-03-21. Review status: criteria provided, single submitter. Criteria: Myriad Autosomal Dominant, Autosomal Recessive and X-Linked Classification Criteria (2023). Collection method: clinical testing. Allele origin: unknown.
Comment: This variant is considered benign. This variant is a silent/synonymous amino acid change and it is not expected to impact splicing.

Ambry Genetics
Classification: Likely benign for Hereditary cancer-predisposing syndrome; Familial thoracic aortic aneurysm and aortic dissection. Last evaluated: 2021-04-12. Review status: criteria provided, single submitter. Criteria: Ambry Variant Classification Scheme 2023. Collection method: clinical testing. Allele origin: germline.

NM_005359.6(SMAD4):c.1362A>G (p.Ala454=)

Gene: SMAD4 (SMAD family member 4; plus strand). Cytogenetic location: 18q21.2.
Variant type: single nucleotide variant.
Coding change: c.1362A>G on transcript NM_005359.6 (MANE Select); coding-DNA position 1362, A replaced by G.
Protein change: p.Ala454=; no amino-acid change (alanine 454 retained).
Molecular consequence: synonymous variant. On other transcripts: non-coding transcript variant (1).
Genome position (GRCh38, 1-based): chr18:51,076,691, A>G. VCF-style: chr18-51076691-A-G. GRCh37 (hg19) VCF-style: chr18-48603061-A-G.
Other names: c.1362A>G, p.Ala454= (NM_001407041.1, NM_001407042.1).
Identifiers: ClinVar variation 1770855 (VCV001770855.3), dbSNP rs1910479618, ClinGen allele CA503873840.